The following is an entry in ClinVar:

ClinVar aggregate classification (germline): Uncertain significance. Review status: criteria provided, multiple submitters, no conflicts (2 of 4 stars). 2 submissions from 2 submitters: Uncertain significance (2). Last evaluated 2024-01-15.

Conditions:
KBG syndrome (KBGS). Also called: ANKRD11-Related KBG Syndrome. Identifiers: Orphanet 2332, MedGen C0220687, MONDO:0007846, OMIM 148050.

Allele frequency attached by ClinVar (database versions not stated): gnomAD exomes below 0.00001.
gnomAD v4.1: 4 of 1,427,384 alleles (0.00028%); highest among the groups gnomAD compares: Admixed American, 0.0043%; no homozygotes.

Submissions (2):

Labcorp Genetics (formerly Invitae), Labcorp
Classification: Uncertain significance for KBG syndrome. Last evaluated: 2024-01-15. Review status: criteria provided, single submitter. Criteria: Invitae Variant Classification Sherloc (09022015). Collection method: clinical testing. Allele origin: germline.
Comment: This sequence change replaces arginine, which is basic and polar, with glycine, which is neutral and non-polar, at codon 2328 of the ANKRD11 protein (p.Arg2328Gly). This variant is not present in population databases (gnomAD no frequency). This variant has not been reported in the literature in individuals affected with ANKRD11-related conditions. ClinVar contains an entry for this variant (Variation ID: 597191). Advanced modeling of protein sequence and biophysical properties (such as structural, functional, and spatial information, amino acid conservation, physicochemical variation, residue mobility, and thermodynamic stability) performed at Invitae indicates that this missense variant is not expected to disrupt ANKRD11 protein function with a negative predictive value of 95%. In summary, the available evidence is currently insufficient to determine the role of this variant in disease. Therefore, it has been classified as a Variant of Uncertain Significance.

Eurofins Ntd Llc (ga)
Classification: Uncertain significance. Last evaluated: 2018-05-17. Review status: criteria provided, single submitter. Criteria: EGL ClinVar v180209 classification definitions. Collection method: clinical testing. Allele origin: germline. Observed: 1 variant allele, 1 heterozygote.

NM_013275.6(ANKRD11):c.6982C>G (p.Arg2328Gly)

Gene: ANKRD11 (ankyrin repeat domain 11; minus strand). Cytogenetic location: 16q24.3.
Variant type: single nucleotide variant.
Coding change: c.6982C>G on transcript NM_013275.6 (MANE Select); coding-DNA position 6982, C replaced by G.
Protein change: p.Arg2328Gly; replaces arginine 2328 with glycine.
Molecular consequence: missense variant.
Genome position (GRCh38, 1-based): chr16:89,279,560, G>C on the plus strand (C>G on the coding strand, the complement: ANKRD11 is on the minus strand). VCF-style: chr16-89279560-G-C. GRCh37 (hg19) VCF-style: chr16-89345968-G-C.
Other names: c.6982C>G, p.Arg2328Gly (NM_001256182.2, NM_001256183.2); short protein forms R2328G.
Identifiers: ClinVar variation 597191 (VCV000597191.8), dbSNP rs1567553783, ClinGen allele CA397149585.